The following is an entry in ClinVar:

ClinVar aggregate classification (germline): Uncertain significance (1 of 4 stars; one submission).

Conditions:
Infantile-onset ascending hereditary spastic paralysis (IAHSP). Also called: Infantile-Onset Ascending Hereditary Spastic Paralysis (IAHSP); Autosomal Recessive Juvenile Amyotrophic Lateral Sclerosis. Identifiers: Orphanet 293168, MedGen C2931441, MONDO:0011797, OMIM 607225. Disease mechanism: loss of function.

gnomAD v4.1: 30 of 1,614,182 alleles (0.0019%); highest among the groups gnomAD compares: Non-Finnish European, 0.0025%; no homozygotes.

Submission:

Labcorp Genetics (formerly Invitae), Labcorp
Classification: Uncertain significance for Infantile-onset ascending hereditary spastic paralysis. Last evaluated: 2022-08-03. Review status: criteria provided, single submitter. Criteria: Invitae Variant Classification Sherloc (09022015). Collection method: clinical testing. Allele origin: germline.
Comment: This sequence change replaces arginine, which is basic and polar, with tryptophan, which is neutral and slightly polar, at codon 450 of the ALS2 protein (p.Arg450Trp). This variant is present in population databases (rs754141264, gnomAD 0.002%). This variant has not been reported in the literature in individuals affected with ALS2-related conditions. Algorithms developed to predict the effect of missense changes on protein structure and function are either unavailable or do not agree on the potential impact of this missense change (SIFT: "Deleterious"; PolyPhen-2: "Probably Damaging"; Align-GVGD: "Class C0"). In summary, the available evidence is currently insufficient to determine the role of this variant in disease. Therefore, it has been classified as a Variant of Uncertain Significance.

NM_020919.4(ALS2):c.1348A>T (p.Arg450Trp)

Gene: ALS2 (alsin Rho guanine nucleotide exchange factor ALS2; minus strand). Cytogenetic location: 2q33.1.
Variant type: single nucleotide variant.
Coding change: c.1348A>T on transcript NM_020919.4 (MANE Select); coding-DNA position 1348, A replaced by T.
Protein change: p.Arg450Trp; replaces arginine 450 with tryptophan.
Molecular consequence: missense variant.
Genome position (GRCh38, 1-based): chr2:201,757,525, T>A on the plus strand (A>T on the coding strand, the complement: ALS2 is on the minus strand). VCF-style: chr2-201757525-T-A. GRCh37 (hg19) VCF-style: chr2-202622248-T-A.
Other names: c.1348A>T, p.Arg450Trp (NM_001410975.1); short protein forms R450W.
Identifiers: ClinVar variation 2049845 (VCV002049845.1), dbSNP rs754141264, ClinGen allele CA63968013.